The following is an entry in ClinVar:

ClinVar aggregate classification (germline): Uncertain significance (1 of 4 stars; one submission).

Submission:

Women's Health and Genetics/Laboratory Corporation of America, LabCorp
Classification: Uncertain significance. Last evaluated: 2024-06-26. Review status: criteria provided, single submitter. Criteria: LabCorp Variant Classification Summary - May 2015. Collection method: clinical testing. Allele origin: germline.
Comment: Variant summary: COL7A1 c.6887G>A (p.Gly2296Glu) results in a non-conservative amino acid change in the encoded protein sequence. Five of five in-silico tools predict a damaging effect of the variant on protein function. The frequency data for this variant in gnomAD is considered unreliable, as metrics indicate poor data quality at this position. c.6887G>A has been reported in the literature in at least one compound heterozygous individual affected with Dystrophic Epidermolysis Bullosa, Recessive (Almaani_2011, Jerabkova_2010). These data do not allow any conclusion about variant significance. To our knowledge, no experimental evidence demonstrating an impact on protein function has been reported. The following publications have been ascertained in the context of this evaluation (PMID: 21448560, 20598510). No submitters have cited clinical-significance assessments for this variant to ClinVar. Based on the evidence outlined above, the variant was classified as uncertain significance.

Literature cited by the submitters: PubMed 21448560; PubMed 20598510.

NM_000094.4(COL7A1):c.6887G>A (p.Gly2296Glu)

Gene: COL7A1 (collagen type VII alpha 1 chain; minus strand). Cytogenetic location: 3p21.31.
Variant type: single nucleotide variant.
Coding change: c.6887G>A on transcript NM_000094.4 (MANE Select); coding-DNA position 6887, G replaced by A.
Protein change: p.Gly2296Glu; replaces glycine 2296 with glutamic acid.
Molecular consequence: missense variant.
Genome position (GRCh38, 1-based): chr3:48,572,684, C>T on the plus strand (G>A on the coding strand, the complement: COL7A1 is on the minus strand). VCF-style: chr3-48572684-C-T. GRCh37 (hg19) VCF-style: chr3-48610117-C-T.
Other names: short protein forms G2296E.
Identifiers: ClinVar variation 3339569 (VCV003339569.1).